The following is an entry in ClinVar:

NM_004700.4(KCNQ4):c.1231C>T (p.Arg411Cys)

Gene: KCNQ4 (potassium voltage-gated channel subfamily Q member 4; plus strand). Cytogenetic location: 1p34.2.
Variant type: single nucleotide variant.
Coding change: c.1231C>T on transcript NM_004700.4 (MANE Select); coding-DNA position 1231, C replaced by T.
Protein change: p.Arg411Cys; replaces arginine 411 with cysteine.
Molecular consequence: missense variant. On other transcripts: intron variant (1).
Genome position (GRCh38, 1-based): chr1:40,824,197, C>T. VCF-style: chr1-40824197-C-T. GRCh37 (hg19) VCF-style: chr1-41289869-C-T.
Other names: c.1130+1795C>T (NM_172163.3); short protein forms R411C.
Identifiers: ClinVar variation 666707 (VCV000666707.18), dbSNP rs199809248, ClinGen allele CA794807.

ClinVar aggregate classification (germline): Benign/Likely benign. Review status: criteria provided, multiple submitters, no conflicts (2 of 4 stars). 6 submissions from 6 submitters: Benign (1); Likely benign (4). 1 of the submissions does not count toward it. Last evaluated 2025-09-13.

Conditions:
Autosomal dominant nonsyndromic hearing loss 2A. Also called: Deafness, autosomal dominant 2A; Autosomal dominant nonsyndromic deafness 2A; DFNA2 Nonsyndromic Hearing Loss. Identifiers: Orphanet 90635, MedGen C2677637, MONDO:0010817, OMIM 600101.
KCNQ4-related disorder. Also called: KCNQ4-related condition.

Allele frequency attached by ClinVar (database versions not stated): gnomAD exomes 0.00015 and 0.00027; 1000 Genomes Project 30x 0.00047; ExAC 0.00056; 1000 Genomes Project 0.00060; gnomAD 0.00141 and 0.00153; ESP Exome Variant Server 0.00148; TOPMed 0.00180.
gnomAD v4.1: 431 of 1,594,982 alleles (0.027%); highest among the groups gnomAD compares: African/African-American, 0.48%; 2 homozygotes.

Submissions (6):

Labcorp Genetics (formerly Invitae), Labcorp
Classification: Benign. Last evaluated: 2025-09-13. Review status: criteria provided, single submitter. Criteria: Invitae Variant Classification Sherloc (09022015). Collection method: clinical testing. Allele origin: germline.

Genome-Nilou Lab
Classification: Likely benign for Autosomal dominant nonsyndromic hearing loss 2A. Last evaluated: 2023-04-11. Review status: criteria provided, single submitter. Criteria: ACMG Guidelines, 2015. Collection method: clinical testing. Allele origin: germline. Affected: no.

GeneDx
Classification: Likely benign. Last evaluated: 2021-06-14. Review status: criteria provided, single submitter. Criteria: GeneDx Variant Classification Process June 2021. Collection method: clinical testing. Allele origin: germline. Affected: yes.

Laboratory for Molecular Medicine, Mass General Brigham Personalized Medicine
Classification: Likely benign. Last evaluated: 2012-04-30. Review status: criteria provided, single submitter. Criteria: LMM Criteria. Collection method: clinical testing. Allele origin: germline. Observed: 1 variant allele.
Comment: Arg411Cys in Exon 09 of KCNQ4: This variant is not expected to have clinical sig nificance because it has been identified in 0.4% (13/3694) of African American c hromosomes from a broad population by the NHLBI Exome Sequencing Project.

Breakthrough Genomics
Classification: Likely benign. Review status: criteria provided, single submitter. Criteria: ACMG Guidelines, 2015. Collection method: not provided. Allele origin: germline. Inheritance: Autosomal dominant inheritance. Affected: yes.

PreventionGenetics, part of Exact Sciences
Classification: Likely benign for KCNQ4-related condition. Last evaluated: 2024-03-05. Review status: no assertion criteria provided. Collection method: clinical testing. Allele origin: germline. Not counted in ClinVar's aggregate classification.
Comment: This variant is classified as likely benign based on ACMG/AMP sequence variant interpretation guidelines (Richards et al. 2015 PMID: 25741868, with internal and published modifications).